The following is an entry in ClinVar:

NM_001164508.2(NEB):c.3412A>G (p.Asn1138Asp)

Gene: NEB (nebulin; minus strand). Cytogenetic location: 2q23.3.
Variant type: single nucleotide variant.
Coding change: c.3412A>G on transcript NM_001164508.2 (MANE Select); coding-DNA position 3412, A replaced by G.
Protein change: p.Asn1138Asp; replaces asparagine 1138 with aspartic acid.
Molecular consequence: missense variant.
Genome position (GRCh38, 1-based): chr2:151,678,031, T>C on the plus strand (A>G on the coding strand, the complement: NEB is on the minus strand). VCF-style: chr2-151678031-T-C. GRCh37 (hg19) VCF-style: chr2-152534545-T-C.
Other names: p.Asn1138Asp; c.3412A>G, p.Asn1138Asp (NM_001164507.2, NM_001271208.2, NM_004543.5); short protein forms N1138D.
Identifiers: ClinVar variation 129740 (VCV000129740.30), dbSNP rs117048449, ClinGen allele CA153982.

ClinVar aggregate classification (germline): Benign. Review status: criteria provided, multiple submitters, no conflicts (2 of 4 stars). 11 submissions from 11 submitters: Benign (9). 2 of the submissions do not count toward it. Last evaluated 2026-02-04.

Conditions:
Nemaline myopathy 2 (NEM2). Also called: Nemaline myopathy 2, autosomal recessive. Identifiers: MedGen C1850569, MONDO:0009725, OMIM 256030.

Allele frequency attached by ClinVar (database versions not stated): gnomAD exomes 0.00880 and 0.00291; 1000 Genomes Project 30x 0.01765; 1000 Genomes Project 0.01917; ESP Exome Variant Server 0.00041; gnomAD 0.00346 and 0.00425; TOPMed 0.00468; ExAC 0.00814.
gnomAD v4.1: 5,050 of 1,613,996 alleles (0.31%); highest among the groups gnomAD compares: East Asian, 6.6%; 126 homozygotes.

Submissions (11):

Labcorp Genetics (formerly Invitae), Labcorp
Classification: Benign for Nemaline myopathy 2. Last evaluated: 2026-02-04. Review status: criteria provided, single submitter. Criteria: Invitae Variant Classification Sherloc (09022015). Collection method: clinical testing. Allele origin: germline.

Athena Diagnostics
Classification: Benign. Last evaluated: 2025-05-09. Review status: criteria provided, single submitter. Criteria: Athena Diagnostics Criteria. Collection method: clinical testing. Allele origin: unknown.
Comment: The frequency of this variant in the general population is higher than would generally be expected for pathogenic variants in this gene.

Mayo Clinic Laboratories, Mayo Clinic
Classification: Benign. Last evaluated: 2021-07-08. Review status: criteria provided, single submitter. Criteria: ACMG Guidelines, 2015. Collection method: clinical testing. Allele origin: germline. Observed: 3 variant alleles.

Illumina Laboratory Services, Illumina
Classification: Benign for Nemaline myopathy 2. Last evaluated: 2018-01-13. Review status: criteria provided, single submitter. Criteria: ICSL Variant Classification Criteria 13 December 2019. Collection method: clinical testing. Allele origin: germline.
Comment: This variant was observed in the ICSL laboratory as part of a predisposition screen in an ostensibly healthy population. It had not been previously curated by ICSL or reported in the Human Gene Mutation Database (HGMD: prior to June 1st, 2018), and was therefore a candidate for classification through an automated scoring system. Utilizing variant allele frequency, disease prevalence and penetrance estimates, and inheritance mode, an automated score was calculated to assess if this variant is too frequent to cause the disease. Based on the score and internal cut-off values, a variant classified as benign is not then subjected to further curation. The score for this variant resulted in a classification of benign for this disease.

Women's Health and Genetics/Laboratory Corporation of America, LabCorp
Classification: Benign. Last evaluated: 2017-04-24. Review status: criteria provided, single submitter. Criteria: LabCorp Variant Classification Summary - May 2015. Collection method: clinical testing. Allele origin: germline.
Comment: Variant summary: The NEB c.3412A>G (p.Asn1138Asp) variant involves the alteration of a conserved nucleotide. 2/4 in silico tools predict a benign outcome for this variant (SNPs&GO not captured due to low reliability index). This variant was found in 982/120580 control chromosomes (26 homozygotes) from ExAC at a frequency of 0.008144, which is approximately 2 times the estimated maximal expected allele frequency of a pathogenic NEB variant (0.0035355), suggesting this variant is likely a benign polymorphism. The variant is more common in East Asian sub-population with allele frequency of 7.57% (652/8602 chromosomes). In one case-control study, this variant did not confer increased risk for prostate cancer (Haiman_2013). In addition, multiple clinical diagnostic laboratories/reputable databases classified this variant as benign. Taken together, this variant is classified as benign.

GeneDx
Classification: Benign. Last evaluated: 2016-05-18. Review status: criteria provided, single submitter. Criteria: GeneDx Variant Classification (06012015). Collection method: clinical testing. Allele origin: germline. Affected: yes.
Comment: This variant is considered likely benign or benign based on one or more of the following criteria: it is a conservative change, it occurs at a poorly conserved position in the protein, it is predicted to be benign by multiple in silico algorithms, and/or has population frequency not consistent with disease.

Eurofins Ntd Llc (ga)
Classification: Benign. Last evaluated: 2015-02-13. Review status: criteria provided, single submitter. Criteria: EGL Classification Definitions 2015. Collection method: clinical testing. Allele origin: germline. Observed: 1 variant allele, 1 heterozygote.

Breakthrough Genomics
Classification: Benign. Review status: criteria provided, single submitter. Criteria: ACMG Guidelines, 2015. Collection method: not provided. Allele origin: germline. Inheritance: Autosomal recessive inheritance. Affected: yes.

PreventionGenetics, part of Exact Sciences
Classification: Benign. Review status: criteria provided, single submitter. Criteria: ACMG Guidelines, 2015. Collection method: clinical testing. Allele origin: germline.

Natera, Inc.
Classification: Benign for Nemaline myopathy type 2. Last evaluated: 2020-09-16. Review status: no assertion criteria provided. Collection method: clinical testing. Allele origin: germline. Not counted in ClinVar's aggregate classification.

Genetic Services Laboratory, University of Chicago
Classification: Likely benign for AllHighlyPenetrant. Review status: no assertion criteria provided. Collection method: clinical testing. Allele origin: germline. Inheritance: Autosomal recessive inheritance. Not counted in ClinVar's aggregate classification.
Comment: Likely benign based on allele frequency in 1000 Genomes Project or ESP global frequency and its presence in a patient with a rare or unrelated disease phenotype. NOT Sanger confirmed.

Literature cited by the submitters: PubMed 23555315 (cited by Women's Health and Genetics/Laboratory Corporation of America, LabCorp).